The following is an entry in ClinVar:

NM_016373.4(WWOX):c.989A>G (p.Asn330Ser)

Gene: WWOX (WW domain containing oxidoreductase; plus strand). Cytogenetic location: 16q23.1.
Variant type: single nucleotide variant.
Coding change: c.989A>G on transcript NM_016373.4 (MANE Select); coding-DNA position 989, A replaced by G.
Protein change: p.Asn330Ser; replaces asparagine 330 with serine.
Molecular consequence: missense variant.
Genome position (GRCh38, 1-based): chr16:78,432,685, A>G. VCF-style: chr16-78432685-A-G. GRCh37 (hg19) VCF-style: chr16-78466582-A-G.
Other names: c.650A>G, p.Asn217Ser (NM_001291997.2); short protein forms N330S, N217S.
Identifiers: ClinVar variation 953615 (VCV000953615.6), dbSNP rs746833923, ClinGen allele CA8183592.
Genomic context (GRCh38, chr16:78,432,685, plus strand): 5'-GCCTCTCCCCACGCGGGGTCACGTCGAACGCAGTGCATCCTGGAAATATGATGTACTCCA[A>G]CATTCATCGCAGCTGGTGGGTGTACACACTGCTGTTTACCTTGGCGAGGCCTTTCACCAA-3'
Protein context (NP_057457.1, residues 320-340): AVHPGNMMYS[Asn330Ser]IHRSWWVYTL

ClinVar aggregate classification (germline): Uncertain significance. Review status: criteria provided, multiple submitters, no conflicts (2 of 4 stars). 2 submissions from 2 submitters: Uncertain significance (2). Last evaluated 2021-09-01.

Conditions:
Autosomal recessive spinocerebellar ataxia 12. Also called: SPINOCEREBELLAR ATAXIA WITH MENTAL RETARDATION AND EPILEPSY. Identifiers: MONDO:0013687, OMIM 614322, Orphanet 284282, MedGen C3280452.
Developmental and epileptic encephalopathy, 1 (DEE1). Also called: X-linked infantile spasms; West's syndrome; Tonic spasms with clustering, arrest of psychomotor development and hypsarrhythmia on EEG; X-Linked Infantile Spasm Syndrome; OHTAHARA SYNDROME, X-LINKED; INFANTILE SPASM SYNDROME, X-LINKED 1. Identifiers: MedGen C3463992, MONDO:0010632, OMIM 308350. Disease mechanism: loss of function.
Developmental and epileptic encephalopathy, 28 (DEE28). Also called: Epileptic encephalopathy, early infantile, 28. Identifiers: Orphanet 442835, MedGen C4015519, MONDO:0014533, OMIM 616211.

Allele frequency attached by ClinVar (database versions not stated): ExAC 0.00001; gnomAD 0.00001 and 0.00002; gnomAD exomes 0.00001; TOPMed 0.00002.
gnomAD v4.1: 7 of 1,614,056 alleles (0.00043%); highest among the groups gnomAD compares: Non-Finnish European, 0.00051%; no homozygotes.

Submissions (2):

Labcorp Genetics (formerly Invitae), Labcorp
Classification: Uncertain significance for Developmental and epileptic encephalopathy, 1; Autosomal recessive spinocerebellar ataxia 12. Last evaluated: 2021-09-01. Review status: criteria provided, single submitter. Criteria: Invitae Variant Classification Sherloc (09022015). Collection method: clinical testing. Allele origin: germline.

Baylor Genetics
Classification: Uncertain significance for Developmental and epileptic encephalopathy, 28. Last evaluated: 2019-08-16. Review status: criteria provided, single submitter. Criteria: ACMG Guidelines, 2015. Collection method: clinical testing. Allele origin: maternal. Affected: yes.
Comment: This variant was determined to be of uncertain significance according to ACMG Guidelines, 2015 [PMID:25741868].